The following is an entry in ClinVar:

NM_133433.4(NIPBL):c.3742A>G (p.Ile1248Val)

Gene: NIPBL (NIPBL cohesin loading factor; plus strand). Cytogenetic location: 5p13.2.
Variant type: single nucleotide variant.
Coding change: c.3742A>G on transcript NM_133433.4 (MANE Select); coding-DNA position 3742, A replaced by G.
Protein change: p.Ile1248Val; replaces isoleucine 1248 with valine.
Molecular consequence: missense variant.
Genome position (GRCh38, 1-based): chr5:37,002,739, A>G. VCF-style: chr5-37002739-A-G. GRCh37 (hg19) VCF-style: chr5-37002841-A-G.
Other names: c.3742A>G, p.Ile1248Val (NM_015384.5); short protein forms I1248V.
Identifiers: ClinVar variation 1800506 (VCV001800506.4), dbSNP rs990243890, ClinGen allele CA117057943.
Genomic context (GRCh38, chr5:37,002,739, plus strand): 5'-CCTCAGGAACTGCTCTTAGGAAAACATCAGCTTAATGAACTTGGCAGTGAATCTGCTAAA[A>G]TAAAAGCAATGGGTATAATGGATAAGGTATCTCACCAAAGTAAAATTTATAAATTTACTT-3'
Protein context (NP_597677.2, residues 1238-1258): LNELGSESAK[Ile1248Val]KAMGIMDKLS

ClinVar aggregate classification (germline): Uncertain significance. Review status: criteria provided, multiple submitters, no conflicts (2 of 4 stars). 2 submissions from 2 submitters: Uncertain significance (2). Last evaluated 2022-07-19.

Conditions:
Inborn genetic diseases. Identifiers: MedGen C0950123, MeSH D030342.

Allele frequency attached by ClinVar (database versions not stated): TOPMed below 0.00001; gnomAD 0.00001.
gnomAD v4.1: 2 of 1,603,080 alleles (0.00012%); highest among the groups gnomAD compares: African/African-American, 0.0027%; no homozygotes.

Submissions (2):

Ambry Genetics
Classification: Uncertain significance for Inborn genetic diseases. Last evaluated: 2022-07-19. Review status: criteria provided, single submitter. Criteria: Ambry Variant Classification Scheme 2023. Collection method: clinical testing. Allele origin: germline.

GeneDx
Classification: Uncertain significance. Last evaluated: 2022-05-17. Review status: criteria provided, single submitter. Criteria: GeneDx Variant Classification Process June 2021. Collection method: clinical testing. Allele origin: germline. Affected: yes.
Comment: Not observed at significant frequency in large population cohorts (gnomAD); In silico analysis supports that this missense variant does not alter protein structure/function; Has not been previously published as pathogenic or benign to our knowledge